The following is an entry in ClinVar:

ClinVar aggregate classification (germline): Uncertain significance. Review status: criteria provided, multiple submitters, no conflicts (2 of 4 stars). 2 submissions from 2 submitters: Uncertain significance (2). Last evaluated 2025-05-17.

Conditions:
Hereditary cancer-predisposing syndrome. Also called: Hereditary neoplastic syndrome; Neoplastic Syndromes, Hereditary; Tumor predisposition; Hereditary Cancer Syndrome. Identifiers: Orphanet 140162, MedGen C0027672, MeSH D009386, MONDO:0015356.

Allele frequency attached by ClinVar (database versions not stated): gnomAD exomes below 0.00001.
gnomAD v4.1: 4 of 1,613,946 alleles (0.00025%); highest among the groups gnomAD compares: Non-Finnish European, 0.00034%; no homozygotes.

Submissions (2):

Ambry Genetics
Classification: Uncertain significance for Hereditary cancer-predisposing syndrome. Last evaluated: 2025-05-17. Review status: criteria provided, single submitter. Criteria: Ambry Variant Classification Scheme 2023. Collection method: clinical testing. Allele origin: germline.
Comment: The p.P1079R variant (also known as c.3236C>G), located in coding exon 23 of the MSH3 gene, results from a C to G substitution at nucleotide position 3236. The proline at codon 1079 is replaced by arginine, an amino acid with dissimilar properties. This amino acid position is conserved. In addition, this alteration is predicted to be deleterious by in silico analysis. Based on the available evidence, the clinical significance of this variant remains unclear.

Labcorp Genetics (formerly Invitae), Labcorp
Classification: Uncertain significance. Last evaluated: 2023-10-18. Review status: criteria provided, single submitter. Criteria: Invitae Variant Classification Sherloc (09022015). Collection method: clinical testing. Allele origin: germline.
Comment: This sequence change replaces proline, which is neutral and non-polar, with arginine, which is basic and polar, at codon 1079 of the MSH3 protein (p.Pro1079Arg). This variant is present in population databases (rs750781725, gnomAD 0.0009%). This variant has not been reported in the literature in individuals affected with MSH3-related conditions. ClinVar contains an entry for this variant (Variation ID: 835902). An algorithm developed to predict the effect of missense changes on protein structure and function (PolyPhen-2) suggests that this variant is likely to be disruptive. In summary, the available evidence is currently insufficient to determine the role of this variant in disease. Therefore, it has been classified as a Variant of Uncertain Significance.

NM_002439.5(MSH3):c.3236C>G (p.Pro1079Arg)

Gene: MSH3 (mutS homolog 3; plus strand). Cytogenetic location: 5q14.1.
Variant type: single nucleotide variant.
Coding change: c.3236C>G on transcript NM_002439.5 (MANE Select); coding-DNA position 3236, C replaced by G.
Protein change: p.Pro1079Arg; replaces proline 1079 with arginine.
Molecular consequence: missense variant.
Genome position (GRCh38, 1-based): chr5:80,873,221, C>G. VCF-style: chr5-80873221-C-G. GRCh37 (hg19) VCF-style: chr5-80169040-C-G.
Other names: c.3236C>G (NM_002439.3); short protein forms P1079R.
Identifiers: ClinVar variation 835902 (VCV000835902.10), dbSNP rs750781725, ClinGen allele CA121753094.